The following is an entry in ClinVar:

NM_014244.5(ADAMTS2):c.1778C>A (p.Pro593Gln)

Gene: ADAMTS2 (ADAM metallopeptidase with thrombospondin type 1 motif 2; minus strand). Cytogenetic location: 5q35.3.
Variant type: single nucleotide variant.
Coding change: c.1778C>A on transcript NM_014244.5 (MANE Select); coding-DNA position 1778, C replaced by A.
Protein change: p.Pro593Gln; replaces proline 593 with glutamine.
Molecular consequence: missense variant.
Genome position (GRCh38, 1-based): chr5:179,137,942, G>T on the plus strand (C>A on the coding strand, the complement: ADAMTS2 is on the minus strand). VCF-style: chr5-179137942-G-T. GRCh37 (hg19) VCF-style: chr5-178564943-G-T.
Other names: short protein forms P593Q.
Identifiers: ClinVar variation 4887520 (VCV004887520.1).
Genomic context (GRCh38, chr5:179,137,942, plus strand): 5'-TGGCGGCTGCAGAGCTGGAAGTCGTAGGCAAGGCCCGAGCAGGTGCGGCCCCCGTTGGCC[G>T]GGCTGGAGGAGAAAGCAAAGGCCTTGCCGCTCCGTGCCATTGGAAAGAGGCAGCACCCGG-3'
Protein context (NP_055059.2, residues 583-603): FRTRQCDNPH[Pro593Gln]ANGGRTCSGL

ClinVar aggregate classification (germline): Uncertain significance (1 of 4 stars; one submission).

gnomAD v4.1: 13 of 1,545,366 alleles (0.00084%); highest among the groups gnomAD compares: Non-Finnish European, 0.001%; no homozygotes.

Submission:

Women's Health and Genetics/Laboratory Corporation of America, LabCorp
Classification: Uncertain significance. Last evaluated: 2026-06-29. Review status: criteria provided, single submitter. Criteria: LabCorp Variant Classification Summary - May 2015. Collection method: clinical testing. Allele origin: germline.
Comment: Variant summary: ADAMTS2 c.1778C>A (p.Pro593Gln) results in a non-conservative amino acid change in the encoded protein sequence. Algorithms developed to predict the effect of missense changes on protein structure and function all suggest that this variant is likely to be disruptive. Several computational tools predict a significant impact on normal splicing: Two predict the variant weakens a 3' acceptor site. Four predict the variant creates a 3' acceptor site. However, these predictions have yet to be confirmed by functional studies. The variant allele was found at a frequency of 1.4e-05 in 145998 control chromosomes. The available data on variant occurrences in the general population are insufficient to allow any conclusion about variant significance. To our knowledge, no occurrence of c.1778C>A in individuals affected with ADAMTS2-related conditions and no experimental evidence demonstrating its impact on protein function have been reported. No submitters have cited clinical-significance assessments for this variant to ClinVar. Based on the evidence outlined above, the variant was classified as uncertain significance.